The following is an entry in ClinVar:

ClinVar aggregate classification (germline): Uncertain significance. Review status: criteria provided, multiple submitters, no conflicts (2 of 4 stars). 3 submissions from 3 submitters: Uncertain significance (3). Last evaluated 2025-12-03.

Conditions:
Muscle AMP deaminase deficiency (MMDD). Also called: Myoadenylate deaminase deficiency, myopathy due to; Adenosine monophosphate deaminase 1 deficiency; AMP deaminase 1 deficiency; Adenosine Monophosphate Deaminase 1; AMPD1 DEFICIENCY; ADENOSINE MONOPHOSPHATE DEAMINASE-1 DEFICIENCY, MYOPATHY DUE TO. Identifiers: Orphanet 45, MedGen C3714933, MONDO:0014220, OMIM 615511.

Allele frequency attached by ClinVar (database versions not stated): ExAC 0.00001; TOPMed 0.00001; gnomAD 0.00002; gnomAD exomes 0.00002 and 0.00005.

Submissions (3):

Labcorp Genetics (formerly Invitae), Labcorp
Classification: Uncertain significance for Muscle AMP deaminase deficiency. Last evaluated: 2025-12-03. Review status: criteria provided, single submitter. Criteria: Invitae Variant Classification Sherloc (09022015). Collection method: clinical testing. Allele origin: germline.
Comment: This sequence change replaces isoleucine, which is neutral and non-polar, with threonine, which is neutral and polar, at codon 132 of the AMPD1 protein (p.Ile132Thr). This variant is present in population databases (rs765248906, gnomAD 0.004%). This variant has not been reported in the literature in individuals affected with AMPD1-related conditions. ClinVar contains an entry for this variant (Variation ID: 499057). An algorithm developed to predict the effect of missense changes on protein structure and function (PolyPhen-2) suggests that this variant is likely to be tolerated. In summary, the available evidence is currently insufficient to determine the role of this variant in disease. Therefore, it has been classified as a Variant of Uncertain Significance.

Revvity Omics, Revvity
Classification: Uncertain significance for Muscle AMP deaminase deficiency. Last evaluated: 2019-05-28. Review status: criteria provided, single submitter. Criteria: ACMG Guidelines, 2015. Collection method: clinical testing. Allele origin: germline.

Eurofins Ntd Llc (ga)
Classification: Uncertain significance. Last evaluated: 2016-12-07. Review status: criteria provided, single submitter. Criteria: EGL Classification Definitions 2015. Collection method: clinical testing. Allele origin: germline. Observed: 1 variant allele, 1 heterozygote.

NM_000036.3(AMPD1):c.296T>C (p.Ile99Thr)

Gene: AMPD1 (adenosine monophosphate deaminase 1; minus strand). Cytogenetic location: 1p13.2.
Variant type: single nucleotide variant.
Coding change: c.296T>C on transcript NM_000036.3 (MANE Select); coding-DNA position 296, T replaced by C.
Protein change: p.Ile99Thr; replaces isoleucine 99 with threonine.
Molecular consequence: missense variant.
Genome position (GRCh38, 1-based): chr1:114,686,830, A>G on the plus strand (T>C on the coding strand, the complement: AMPD1 is on the minus strand). VCF-style: chr1-114686830-A-G. GRCh37 (hg19) VCF-style: chr1-115229451-A-G.
Other names: c.284T>C, p.Ile95Thr (NM_001172626.2); c.395T>C (NM_000036.2); short protein forms I95T, I99T.
Identifiers: ClinVar variation 499057 (VCV000499057.11), dbSNP rs765248906, ClinGen allele CA1020474.